The following is an entry in ClinVar:

ClinVar aggregate classification (germline): Uncertain significance (1 of 4 stars; one submission).

Conditions:
Dextro-looped transposition of the great arteries. Also called: Dextrotransposition of the great arteries. Identifiers: Orphanet 860, MedGen C3531771, MONDO:0019443, OMIM 608808, HP:0031348.

Submission:

Labcorp Genetics (formerly Invitae), Labcorp
Classification: Uncertain significance for Dextro-looped transposition of the great arteries. Last evaluated: 2022-07-25. Review status: criteria provided, single submitter. Criteria: Invitae Variant Classification Sherloc (09022015). Collection method: clinical testing. Allele origin: germline.
Comment: This variant has not been reported in the literature in individuals affected with MED13L-related conditions. This variant is not present in population databases (gnomAD no frequency). Advanced modeling of protein sequence and biophysical properties (such as structural, functional, and spatial information, amino acid conservation, physicochemical variation, residue mobility, and thermodynamic stability) performed at Invitae indicates that this missense variant is not expected to disrupt MED13L protein function. In summary, the available evidence is currently insufficient to determine the role of this variant in disease. Therefore, it has been classified as a Variant of Uncertain Significance. This sequence change replaces histidine, which is basic and polar, with glutamine, which is neutral and polar, at codon 1834 of the MED13L protein (p.His1834Gln).

NM_015335.5(MED13L):c.5502C>G (p.His1834Gln)

Gene: MED13L (mediator complex subunit 13L; minus strand). Cytogenetic location: 12q24.21.
Variant type: single nucleotide variant.
Coding change: c.5502C>G on transcript NM_015335.5 (MANE Select); coding-DNA position 5502, C replaced by G.
Protein change: p.His1834Gln; replaces histidine 1834 with glutamine.
Molecular consequence: missense variant.
Genome position (GRCh38, 1-based): chr12:115,975,601, G>C on the plus strand (C>G on the coding strand, the complement: MED13L is on the minus strand). VCF-style: chr12-115975601-G-C. GRCh37 (hg19) VCF-style: chr12-116413406-G-C.
Other names: short protein forms H1834Q.
Identifiers: ClinVar variation 2190878 (VCV002190878.4), dbSNP rs200440551, ClinGen allele CA386879112.